The following is an entry in ClinVar:

NM_001940.4(ATN1):c.3166C>T (p.His1056Tyr)

Gene: ATN1 (atrophin 1; plus strand). Cytogenetic location: 12p13.31.
Variant type: single nucleotide variant.
Coding change: c.3166C>T on transcript NM_001940.4 (MANE Select); coding-DNA position 3166, C replaced by T.
Protein change: p.His1056Tyr; replaces histidine 1056 with tyrosine.
Molecular consequence: missense variant.
Genome position (GRCh38, 1-based): chr12:6,939,129, C>T. VCF-style: chr12-6939129-C-T. GRCh37 (hg19) VCF-style: chr12-7048292-C-T.
Other names: c.3166C>T, p.His1056Tyr (NM_001007026.2); short protein forms H1056Y.
Identifiers: ClinVar variation 986114 (VCV000986114.4), dbSNP rs1945599462, ClinGen allele CA383741262.

ClinVar aggregate classification (germline): Uncertain significance (1 of 4 stars; one submission).

Conditions:
Inborn genetic diseases. Identifiers: MedGen C0950123, MeSH D030342.

Submission:

Ambry Genetics
Classification: Uncertain significance for Inborn genetic diseases. Last evaluated: 2020-05-26. Review status: criteria provided, single submitter. Criteria: Ambry Variant Classification Scheme 2023. Collection method: clinical testing. Allele origin: germline.
Comment: The alteration results in an amino acid change:_x000D_ _x000D_ The c.3166C>T (p.H1056Y) alteration is located in exon 7 (coding exon 6) of the ATN1 gene. This alteration results from a C to T substitution at nucleotide position 3166, causing the histidine (H) at amino acid position 1056 to be replaced by a tyrosine (Y). The alteration is not observed in population databases:_x000D_ _x000D_ Based on data from the Genome Aggregation Database (gnomAD), the ATN1 c.3166C>T alteration was not observed, with coverage at this position. An alteration at the same codon has been observed in an affected individual: _x000D_ _x000D_ An alteration at the same codon, c.3167A>G (p.H1056R), has been reported as a de novo occurrence in one individual with intellectual disability/developmental delay (Deciphering Developmental Disorders Study, 2017). The altered amino acid is conserved throughout evolution:_x000D_ _x000D_ The p.H1056 amino acid is conserved in available vertebrate species. The amino acid is located in a functionally important protein domain:_x000D_ _x000D_ The p.H1056Y alteration is located in a conserved 16-amnio-acid HX repeat domain, which has been found to be associated with ATN1-related CHEDDA in eight unrelated individuals who have de novo missense and insertion variants (Palmer, 2019). The alteration is predicted inconclusive by in silico modeling:_x000D_ _x000D_ The in silico prediction for the p.H1056Y alteration is inconclusive. Based on insufficient or conflicting evidence, the clinical significance of this alteration remains unclear.

Literature cited by the submitters: PubMed 28135719; PubMed 30827498.